The following is an entry in ClinVar:

ClinVar aggregate classification (germline): Likely benign. Review status: criteria provided, multiple submitters, no conflicts (2 of 4 stars). 3 submissions from 3 submitters: Likely benign (3). Last evaluated 2024-10-06.

gnomAD v4.1: 57 of 1,610,386 alleles (0.0035%); highest among the groups gnomAD compares: Non-Finnish European, 0.0041%; no homozygotes.

Submissions (3):

Labcorp Genetics (formerly Invitae), Labcorp
Classification: Likely benign. Last evaluated: 2024-10-06. Review status: criteria provided, single submitter. Criteria: Invitae Variant Classification Sherloc (09022015). Collection method: clinical testing. Allele origin: germline.

CeGaT Center for Human Genetics Tuebingen
Classification: Likely benign. Last evaluated: 2023-06-01. Review status: criteria provided, single submitter. Criteria: CeGaT Center For Human Genetics Tuebingen Variant Classification Criteria Version 2. Collection method: clinical testing. Allele origin: germline. Affected: yes. Observed: 1 variant allele.
Comment: PACS2: BP4, BP7

Blueprint Genetics
Classification: Likely benign. Last evaluated: 2022-05-27. Review status: criteria provided, single submitter. Criteria: ACMG Guidelines, 2015. Collection method: clinical testing. Allele origin: germline.

NM_001100913.3(PACS2):c.2145G>A (p.Ser715=)

Gene: PACS2 (phosphofurin acidic cluster sorting protein 2; plus strand). Cytogenetic location: 14q32.33.
Variant type: single nucleotide variant.
Coding change: c.2145G>A on transcript NM_001100913.3 (MANE Select); coding-DNA position 2145, G replaced by A.
Protein change: p.Ser715=; no amino-acid change (serine 715 retained).
Molecular consequence: synonymous variant.
Genome position (GRCh38, 1-based): chr14:105,391,656, G>A. VCF-style: chr14-105391656-G-A. GRCh37 (hg19) VCF-style: chr14-105857993-G-A.
Other names: c.1875G>A, p.Ser625= (NM_001243127.3); c.2100G>A, p.Ser700= (NM_015197.4).
Identifiers: ClinVar variation 1982339 (VCV001982339.29), dbSNP rs782809204, ClinGen allele CA7389173.